The following is an entry in ClinVar:

NM_000179.3(MSH6):c.3709_3713dup (p.Ile1239fs)

Gene: MSH6 (mutS homolog 6; plus strand). Cytogenetic location: 2p16.3.
Variant type: Duplication.
Coding change: c.3709_3713dup on transcript NM_000179.3 (MANE Select); coding-DNA positions 3709 to 3713, 5 bases duplicated (GAGAC; older notation c.3709_3713dupGAGAC).
Protein change: p.Ile1239fs; shifts the reading frame from isoleucine 1239.
Molecular consequence: frameshift variant. On other transcripts: non-coding transcript variant (5).
Genome position (GRCh38, 1-based): chr2:47,806,266-47,806,270, GAGAC duplicated. VCF-style (leftmost placement, unchanged base first): chr2-47806265-T-TGAGAC. GRCh37 (hg19) VCF-style: chr2-48033404-T-TGAGAC.
Other names: c.3412_3416dup, p.Ile1140fs (NM_001406820.1, NM_001406821.1, NM_001406822.1 and 10 more transcripts); c.2803_2807dup, p.Ile937fs (NM_001406823.1, NM_001406829.1, NM_001406811.1 and 6 more transcripts); c.3541_3545dup, p.Ile1183fs (NM_001406826.1); c.490_494dup, p.Ile166fs (NM_001406831.1); c.556_560dup, p.Ile188fs (NM_001406832.1); c.1654_1658dup, p.Ile554fs (NM_001407362.1); c.3319_3323dup, p.Ile1109fs (NM_001281492.2); c.3805_3809dup, p.Ile1271fs (NM_001406802.1, NM_001406795.1); and 8 more; short protein forms I1064fs, I1109fs, I1140fs, I1181fs, I1183fs, I1213fs, I1239fs, I1241fs.
Identifiers: ClinVar variation 4860395 (VCV004860395.1).
Genomic context (GRCh38, chr2:47,806,265, plus strand): 5'-AAGAGGTACTGCAACATTTGATGGGACGGCAATAGCAAATGCAGTTGTTAAAGAACTTGC[T>TGAGAC]GAGACTATAAAATGTCGTACATTATTTTCAACTCACTACCATTCATTAGTAGAAGATTAT-3'

ClinVar aggregate classification (germline): Pathogenic (1 of 4 stars; one submission).

Conditions:
Hereditary cancer-predisposing syndrome. Also called: Neoplastic Syndromes, Hereditary; Tumor predisposition; Hereditary Cancer Syndrome; Hereditary neoplastic syndrome. Identifiers: Orphanet 140162, MedGen C0027672, MeSH D009386, MONDO:0015356.

Submission:

Ambry Genetics
Classification: Pathogenic for Hereditary cancer-predisposing syndrome. Last evaluated: 2026-04-28. Review status: criteria provided, single submitter. Criteria: Ambry Variant Classification Scheme 2023. Collection method: clinical testing. Allele origin: germline.
Comment: The c.3709_3713dupGAGAC pathogenic mutation, located in coding exon 8 of the MSH6 gene, results from a duplication of GAGAC at nucleotide position 3709, causing a translational frameshift with a predicted alternate stop codon (p.I1239Rfs*3). This variant is considered to be rare based on population cohorts in the Genome Aggregation Database (gnomAD). This alteration is expected to result in loss of function by premature protein truncation or nonsense-mediated mRNA decay. As such, this alteration is interpreted as a disease-causing mutation.